The following is an entry in ClinVar:

NM_003079.5(SMARCE1):c.274A>C (p.Lys92Gln)

Gene: SMARCE1 (SWI/SNF related BAF chromatin remodeling complex subunit E1; minus strand). Cytogenetic location: 17q21.2.
Variant type: single nucleotide variant.
Coding change: c.274A>C on transcript NM_003079.5 (MANE Select); coding-DNA position 274, A replaced by C.
Protein change: p.Lys92Gln; replaces lysine 92 with glutamine.
Molecular consequence: missense variant.
Genome position (GRCh38, 1-based): chr17:40,636,490, T>G on the plus strand (A>C on the coding strand, the complement: SMARCE1 is on the minus strand). VCF-style: chr17-40636490-T-G. GRCh37 (hg19) VCF-style: chr17-38792742-T-G.
Other names: short protein forms K92Q.
Identifiers: ClinVar variation 1335269 (VCV001335269.35), dbSNP rs2143997424, ClinGen allele CA399367448.

ClinVar aggregate classification (germline): Likely pathogenic (1 of 4 stars; one submission).

Submission:

CeGaT Center for Human Genetics Tuebingen
Classification: Likely pathogenic. Last evaluated: 2022-08-01. Review status: criteria provided, single submitter. Criteria: CeGaT Center For Human Genetics Tuebingen Variant Classification Criteria Version 2. Collection method: clinical testing. Allele origin: germline. Affected: yes. Observed: 1 variant allele.
Comment: SMARCE1: PM2, PS2:Moderate, PM5:Supporting, PP3, PP4